The following is an entry in ClinVar:

NM_000302.4(PLOD1):c.2095A>C (p.Met699Leu)

Gene: PLOD1 (procollagen-lysine,2-oxoglutarate 5-dioxygenase 1; plus strand). Cytogenetic location: 1p36.22.
Variant type: single nucleotide variant.
Coding change: c.2095A>C on transcript NM_000302.4 (MANE Select); coding-DNA position 2095, A replaced by C.
Protein change: p.Met699Leu; replaces methionine 699 with leucine.
Molecular consequence: missense variant.
Genome position (GRCh38, 1-based): chr1:11,974,719, A>C. VCF-style: chr1-11974719-A-C. GRCh37 (hg19) VCF-style: chr1-12034776-A-C.
Other names: c.2236A>C, p.Met746Leu (NM_001316320.2); short protein forms M699L, M746L.
Identifiers: ClinVar variation 4887245 (VCV004887245.1).
Genomic context (GRCh38, chr1:11,974,719, plus strand): 5'-GGCTGTCGGTTCCTGCGCTACAACTGTTCCATCCGAGCCCCAAGGAAGGGCTGGACCCTC[A>C]TGCACCCTGGACGACTCACGCATTACCATGAGGGGCTCCCCACCACCAGGGGCACCCGCT-3'
Protein context (NP_000293.2, residues 689-709): IRAPRKGWTL[Met699Leu]HPGRLTHYHE

ClinVar aggregate classification (germline): Uncertain significance (1 of 4 stars; one submission).

gnomAD v4.1: 3 of 1,613,874 alleles (0.00019%); highest among the groups gnomAD compares: Non-Finnish European, 0.00025%; no homozygotes.

Submission:

Women's Health and Genetics/Laboratory Corporation of America, LabCorp
Classification: Uncertain significance. Last evaluated: 2026-06-15. Review status: criteria provided, single submitter. Criteria: LabCorp Variant Classification Summary - May 2015. Collection method: clinical testing. Allele origin: germline.
Comment: Variant summary: PLOD1 c.2095A>C (p.Met699Leu) results in a conservative amino acid change in the encoded protein sequence. Algorithms developed to predict the effect of missense changes on protein structure and function are either unavailable or do not agree on the potential impact of this missense change. The variant allele was found at a frequency of 4e-06 in 251216 control chromosomes. The available data on variant occurrences in the general population are insufficient to allow any conclusion about variant significance. To our knowledge, no occurrence of c.2095A>C in individuals affected with PLOD1-related conditions and no experimental evidence demonstrating its impact on protein function have been reported. No submitters have cited clinical-significance assessments for this variant to ClinVar. Based on the evidence outlined above, the variant was classified as uncertain significance.